The following is an entry in ClinVar:

ClinVar aggregate classification (germline): Conflicting classifications of pathogenicity. Review status: criteria provided, conflicting classifications (1 of 4 stars). 3 submissions from 3 submitters: Uncertain significance (2); Likely benign (1). Last evaluated 2026-01-12.

Conditions:
Inborn genetic diseases. Identifiers: MedGen C0950123, MeSH D030342.
Treacher Collins syndrome 1 (TCS1). Also called: TCOF1-Related Treacher Collins Syndrome. Identifiers: Orphanet 861, MedGen CN315775, MONDO:0007944, OMIM 154500.

Allele frequency attached by ClinVar (database versions not stated): gnomAD exomes 0.00006 and 0.00009; ESP Exome Variant Server 0.00008; ExAC 0.00009; TOPMed 0.00005; gnomAD 0.00006; 1000 Genomes Project 30x 0.00016; 1000 Genomes Project 0.00020.
gnomAD v4.1: 137 of 1,614,152 alleles (0.0085%); highest among the groups gnomAD compares: Middle Eastern, 0.033%; no homozygotes.

Submissions (3):

Labcorp Genetics (formerly Invitae), Labcorp
Classification: Likely benign for Treacher Collins syndrome 1. Last evaluated: 2026-01-12. Review status: criteria provided, single submitter. Criteria: Invitae Variant Classification Sherloc (09022015). Collection method: clinical testing. Allele origin: germline.

GeneDx
Classification: Uncertain significance. Last evaluated: 2024-11-12. Review status: criteria provided, single submitter. Criteria: GeneDx Variant Classification Process June 2021. Collection method: clinical testing. Allele origin: germline. Affected: yes.
Comment: In silico analysis indicates that this missense variant does not alter protein structure/function; Has not been previously published as pathogenic or benign to our knowledge

Ambry Genetics
Classification: Uncertain significance for Inborn genetic diseases. Last evaluated: 2021-08-02. Review status: criteria provided, single submitter. Criteria: Ambry Variant Classification Scheme 2023. Collection method: clinical testing. Allele origin: germline.

NM_001371623.1(TCOF1):c.2205G>C (p.Leu735Phe)

Gene: TCOF1 (treacle ribosome biogenesis factor 1; plus strand). Cytogenetic location: 5q32.
Variant type: single nucleotide variant.
Coding change: c.2205G>C on transcript NM_001371623.1 (MANE Select); coding-DNA position 2205, G replaced by C.
Protein change: p.Leu735Phe; replaces leucine 735 with phenylalanine.
Molecular consequence: missense variant.
Genome position (GRCh38, 1-based): chr5:150,376,485, G>C. VCF-style: chr5-150376485-G-C. GRCh37 (hg19) VCF-style: chr5-149756048-G-C.
Other names: c.2205G>C (NM_001135243.1); c.1974G>C, p.Leu658Phe (NM_000356.4, NM_001135245.2); c.2205G>C, p.Leu735Phe (NM_001008657.3, NM_001135243.2, NM_001135244.2 and 1 more transcripts); short protein forms L658F, L735F.
Identifiers: ClinVar variation 1453612 (VCV001453612.10), dbSNP rs200577796, ClinGen allele CA3511131.